The following is an entry in ClinVar:

NM_000891.3(KCNJ2):c.461G>A (p.Cys154Tyr)

Gene: KCNJ2 (potassium inwardly rectifying channel subfamily J member 2; plus strand). Cytogenetic location: 17q24.3.
Variant type: single nucleotide variant.
Coding change: c.461G>A on transcript NM_000891.3 (MANE Select); coding-DNA position 461, G replaced by A.
Protein change: p.Cys154Tyr; replaces cysteine 154 with tyrosine.
Molecular consequence: missense variant.
Genome position (GRCh38, 1-based): chr17:70,175,500, G>A. VCF-style: chr17-70175500-G-A. GRCh37 (hg19) VCF-style: chr17-68171641-G-A.
Other names: short protein forms C154Y.
Identifiers: ClinVar variation 684808 (VCV000684808.4), dbSNP rs199473380, ClinGen allele CA400860648.

ClinVar aggregate classification (germline): Conflicting classifications of pathogenicity. Review status: criteria provided, conflicting classifications (1 of 4 stars). 2 submissions from 2 submitters: Likely pathogenic (1); Uncertain significance (1). Last evaluated 2019-09-25.

Conditions:
Andersen Tawil syndrome (LQT7). Also called: ANDERSEN CARDIODYSRHYTHMIC PERIODIC PARALYSIS; Potassium-sensitive periodic paralysis, ventricular ectopy, and dysmorphic features; Andersen Syndrome; LONG QT SYNDROME 7; PERIODIC PARALYSIS, POTASSIUM-SENSITIVE CARDIODYSRHYTHMIC TYPE. Identifiers: Orphanet 37553, MedGen C1563715, MONDO:0008222, OMIM 170390.
Short QT syndrome type 3. Identifiers: Orphanet 51083, MedGen C1865018, MONDO:0012314, OMIM 609622.

Submissions (2):

Labcorp Genetics (formerly Invitae), Labcorp
Classification: Uncertain significance for Short QT syndrome 3; Andersen Tawil syndrome. Last evaluated: 2019-09-25. Review status: criteria provided, single submitter. Criteria: Invitae Variant Classification Sherloc (09022015). Collection method: clinical testing. Allele origin: germline.
Comment: This sequence change replaces cysteine with tyrosine at codon 154 of the KCNJ2 protein (p.Cys154Tyr). The cysteine residue is highly conserved and there is a large physicochemical difference between cysteine and tyrosine. This variant is not present in population databases (ExAC no frequency). This variant has been observed in individuals with clinical features of Andersen-Tawil syndrome (PMID: 19570891, Invitae). Algorithms developed to predict the effect of missense changes on protein structure and function (SIFT, PolyPhen-2, Align-GVGD) all suggest that this variant is likely to be disruptive, but these predictions have not been confirmed by published functional studies and their clinical significance is uncertain. This variant disrupts the p.Cys154 amino acid residue in KCNJ2. Other variant(s) that disrupt this residue have been observed in individuals with KCNJ2-related conditions (PMID: 15831539), which suggests that this may be a clinically significant amino acid residue. In summary, the available evidence is currently insufficient to determine the role of this variant in disease. Therefore, it has been classified as a Variant of Uncertain Significance.

Molecular Diagnostic Laboratory for Inherited Cardiovascular Disease, Montreal Heart Institute
Classification: Likely pathogenic for Andersen Tawil syndrome. Review status: criteria provided, single submitter. Criteria: ACMG Guidelines, 2015. Collection method: clinical testing. Allele origin: germline. Affected: yes.

Literature cited by the submitters: PubMed 15831539 (cited by Labcorp Genetics (formerly Invitae), Labcorp); PubMed 19570891 (cited by Labcorp Genetics (formerly Invitae), Labcorp).